The following is an entry in ClinVar:

NM_004260.4(RECQL4):c.3236+1G>A

Gene: RECQL4 (RecQ like helicase 4; minus strand). Cytogenetic location: 8q24.3.
Variant type: single nucleotide variant.
Coding change: c.3236+1G>A on transcript NM_004260.4 (MANE Select); the canonical splice donor site of the intron after coding-DNA position 3236, G replaced by A.
Molecular consequence: splice donor variant.
Genome position (GRCh38, 1-based): chr8:144,512,143, C>T on the plus strand (G>A on the coding strand, the complement: RECQL4 is on the minus strand). VCF-style: chr8-144512143-C-T. GRCh37 (hg19) VCF-style: chr8-145737526-C-T.
Other names: c.3107+1G>A (NM_001413025.1); c.2885+1G>A (NM_001413029.1); c.2099+1G>A (NM_001413032.1, NM_001413027.1, NM_001413030.1); c.2165+1G>A (NM_001413035.1, NM_001413040.1, NM_001413021.1 and 4 more transcripts); c.2942+1G>A (NM_001413017.1); c.3140+1G>A (NM_001413020.1); c.3206+1G>A (NM_001413039.1); c.3104+1G>A (NM_001413033.1); and 9 more.
Identifiers: ClinVar variation 1475622 (VCV001475622.6), dbSNP rs1327061374, ClinGen allele CA372669581.

ClinVar aggregate classification (germline): Likely pathogenic (1 of 4 stars; one submission).

Conditions:
Baller-Gerold syndrome (BGS). Also called: CRANIOSYNOSTOSIS WITH RADIAL DEFECTS. Identifiers: Orphanet 1225, MedGen C0265308, MONDO:0009039, OMIM 218600.

Allele frequency attached by ClinVar (database versions not stated): gnomAD exomes below 0.00001; gnomAD 0.00001.
gnomAD v4.1: 2 of 1,606,242 alleles (0.00012%); highest among the groups gnomAD compares: East Asian, 0.0022%; no homozygotes.

Submission:

Labcorp Genetics (formerly Invitae), Labcorp
Classification: Likely pathogenic for Baller-Gerold syndrome. Last evaluated: 2024-10-15. Review status: criteria provided, single submitter. Criteria: Invitae Variant Classification Sherloc (09022015). Collection method: clinical testing. Allele origin: germline.
Comment: This sequence change affects a donor splice site in intron 18 of the RECQL4 gene. It is expected to disrupt RNA splicing. Variants that disrupt the donor or acceptor splice site typically lead to a loss of protein function (PMID: 16199547), and loss-of-function variants in RECQL4 are known to be pathogenic (PMID: 12734318, 12952869). This variant is present in population databases (no rsID available, gnomAD 0.01%). This variant has not been reported in the literature in individuals affected with RECQL4-related conditions. ClinVar contains an entry for this variant (Variation ID: 1475622). Algorithms developed to predict the effect of sequence changes on RNA splicing suggest that this variant may disrupt the consensus splice site. In summary, the currently available evidence indicates that the variant is pathogenic, but additional data are needed to prove that conclusively. Therefore, this variant has been classified as Likely Pathogenic.

Literature cited by the submitters: PubMed 16199547; PubMed 12734318; PubMed 12952869.